The following is an entry in ClinVar:

NM_014244.5(ADAMTS2):c.1289G>A (p.Arg430Gln)

Gene: ADAMTS2 (ADAM metallopeptidase with thrombospondin type 1 motif 2; minus strand). Cytogenetic location: 5q35.3.
Variant type: single nucleotide variant.
Coding change: c.1289G>A on transcript NM_014244.5 (MANE Select); coding-DNA position 1289, G replaced by A.
Protein change: p.Arg430Gln; replaces arginine 430 with glutamine.
Molecular consequence: missense variant.
Genome position (GRCh38, 1-based): chr5:179,154,142, C>T on the plus strand (G>A on the coding strand, the complement: ADAMTS2 is on the minus strand). VCF-style: chr5-179154142-C-T. GRCh37 (hg19) VCF-style: chr5-178581143-C-T.
Other names: c.1289G>A, p.Arg430Gln (NM_021599.4); c.1289G>A (NM_014244.4); short protein forms R430Q.
Identifiers: ClinVar variation 2053389 (VCV002053389.6), dbSNP rs1306940634, ClinGen allele CA362433672.

ClinVar aggregate classification (germline): Uncertain significance. Review status: criteria provided, multiple submitters, no conflicts (2 of 4 stars). 2 submissions from 2 submitters: Uncertain significance (2). Last evaluated 2025-01-27.

Conditions:
Inborn genetic diseases. Identifiers: MedGen C0950123, MeSH D030342.
Ehlers-Danlos syndrome, dermatosparaxis type. Also called: Dermatosparaxis; Ehlers-Danlos syndrome, type VII, autosomal recessive; EDS VIIC. Identifiers: Orphanet 1901, MedGen C2700425, MONDO:0009161, OMIM 225410.

Allele frequency attached by ClinVar (database versions not stated): TOPMed 0.00001; gnomAD 0.00002; gnomAD exomes 0.00004.

Submissions (2):

Labcorp Genetics (formerly Invitae), Labcorp
Classification: Uncertain significance for Ehlers-Danlos syndrome, dermatosparaxis type. Last evaluated: 2025-01-27. Review status: criteria provided, single submitter. Criteria: Invitae Variant Classification Sherloc (09022015). Collection method: clinical testing. Allele origin: germline.
Comment: This sequence change replaces arginine, which is basic and polar, with glutamine, which is neutral and polar, at codon 430 of the ADAMTS2 protein (p.Arg430Gln). This variant is present in population databases (no rsID available, gnomAD 0.005%). This variant has not been reported in the literature in individuals affected with ADAMTS2-related conditions. ClinVar contains an entry for this variant (Variation ID: 2053389). An algorithm developed to predict the effect of missense changes on protein structure and function (PolyPhen-2) suggests that this variant is likely to be tolerated. In summary, the available evidence is currently insufficient to determine the role of this variant in disease. Therefore, it has been classified as a Variant of Uncertain Significance.

Ambry Genetics
Classification: Uncertain significance for Inborn genetic diseases. Last evaluated: 2023-03-20. Review status: criteria provided, single submitter. Criteria: Ambry Variant Classification Scheme 2023. Collection method: clinical testing. Allele origin: germline.